The following is an entry in ClinVar:

NM_004655.4(AXIN2):c.2194A>T (p.Thr732Ser)

Gene: AXIN2 (axin 2; minus strand). Cytogenetic location: 17q24.1.
Variant type: single nucleotide variant.
Coding change: c.2194A>T on transcript NM_004655.4 (MANE Select); coding-DNA position 2194, A replaced by T.
Protein change: p.Thr732Ser; replaces threonine 732 with serine.
Molecular consequence: missense variant.
Genome position (GRCh38, 1-based): chr17:65,535,669, T>A on the plus strand (A>T on the coding strand, the complement: AXIN2 is on the minus strand). VCF-style: chr17-65535669-T-A. GRCh37 (hg19) VCF-style: chr17-63531787-T-A.
Other names: c.1999A>T, p.Thr667Ser (NM_001363813.1); short protein forms T667S, T732S.
Identifiers: ClinVar variation 5032622 (VCV005032622.1).

ClinVar aggregate classification (germline): Uncertain significance (1 of 4 stars; one submission).

Conditions:
Hereditary cancer-predisposing syndrome. Also called: Neoplastic Syndromes, Hereditary; Tumor predisposition; Hereditary neoplastic syndrome; Hereditary Cancer Syndrome. Identifiers: Orphanet 140162, MedGen C0027672, MeSH D009386, MONDO:0015356.

Submission:

Ambry Genetics
Classification: Uncertain significance for Hereditary cancer-predisposing syndrome. Last evaluated: 2026-07-07. Review status: criteria provided, single submitter. Criteria: Ambry Variant Classification Scheme 2023. Collection method: clinical testing. Allele origin: germline.
Comment: The p.T732S variant (also known as c.2194A>T), located in coding exon 8 of the AXIN2 gene, results from an A to T substitution at nucleotide position 2194. The threonine at codon 732 is replaced by serine, an amino acid with similar properties. This amino acid position is conserved. In addition, this alteration is predicted to be tolerated by in silico analysis. Based on the available evidence, the clinical significance of this variant remains unclear.